The following is an entry in ClinVar:

ClinVar aggregate classification (germline): Uncertain significance. Review status: criteria provided, multiple submitters, no conflicts (2 of 4 stars). 2 submissions from 2 submitters: Uncertain significance (2). Last evaluated 2025-04-18.

Conditions:
Deficiency of hyaluronoglucosaminidase (MPS9). Also called: MPS IX; Mucopolysaccharidosis type 9; HYALURONIDASE DEFICIENCY. Identifiers: Orphanet 67041, MedGen C1291490, MONDO:0011093, OMIM 601492.

Allele frequency attached by ClinVar (database versions not stated): gnomAD exomes below 0.00001; gnomAD 0.00001; TOPMed 0.00001.
gnomAD v4.1: 7 of 1,613,064 alleles (0.00043%); highest among the groups gnomAD compares: East Asian, 0.0022%; no homozygotes.

Submissions (2):

Ambry Genetics
Classification: Uncertain significance. Last evaluated: 2025-04-18. Review status: criteria provided, single submitter. Criteria: Ambry Variant Classification Scheme 2023. Collection method: clinical testing. Allele origin: germline.

Labcorp Genetics (formerly Invitae), Labcorp
Classification: Uncertain significance for Deficiency of hyaluronoglucosaminidase. Last evaluated: 2024-01-02. Review status: criteria provided, single submitter. Criteria: Invitae Variant Classification Sherloc (09022015). Collection method: clinical testing. Allele origin: germline.
Comment: This sequence change replaces arginine, which is basic and polar, with tryptophan, which is neutral and slightly polar, at codon 30 of the HYAL1 protein (p.Arg30Trp). This variant is present in population databases (no rsID available, gnomAD 0.006%). This variant has not been reported in the literature in individuals affected with HYAL1-related conditions. ClinVar contains an entry for this variant (Variation ID: 2202578). An algorithm developed to predict the effect of missense changes on protein structure and function (PolyPhen-2) suggests that this variant is likely to be disruptive. In summary, the available evidence is currently insufficient to determine the role of this variant in disease. Therefore, it has been classified as a Variant of Uncertain Significance.

NM_033159.4(HYAL1):c.88C>T (p.Arg30Trp)

Gene: HYAL1 (hyaluronidase 1; minus strand). Cytogenetic location: 3p21.31.
Variant type: single nucleotide variant.
Coding change: c.88C>T on transcript NM_033159.4 (MANE Select); coding-DNA position 88, C replaced by T.
Protein change: p.Arg30Trp; replaces arginine 30 with tryptophan.
Molecular consequence: missense variant. On other transcripts: non-coding transcript variant (1), intron variant (2).
Genome position (GRCh38, 1-based): chr3:50,302,869, G>A on the plus strand (C>T on the coding strand, the complement: HYAL1 is on the minus strand). VCF-style: chr3-50302869-G-A. GRCh37 (hg19) VCF-style: chr3-50340300-G-A.
Other names: c.88C>T, p.Arg30Trp (NM_007312.3, NM_153281.2, NM_153282.3); c.-27+597C>T (NM_153285.3); c.-213-246C>T (NM_153283.3); c.88C>T (NM_153281.1); short protein forms R30W.
Identifiers: ClinVar variation 2202578 (VCV002202578.5), dbSNP rs1559820971, ClinGen allele CA352897616.
Genomic context (GRCh38, chr3:50,302,869, plus strand): 5'-CCACACCGTGCCTCTCCAGGCACCACTGGGTGTTTGCATTCCAGACGGTGGTGAAGGGCC[G>A]GTTGGGTAGCAAGGGGCCCCTAAAGCCTTGGGCCATATCGAGTAAGGTCAGGAAGAGGGC-3'
Protein context (NP_149349.2, residues 20-40): QGFRGPLLPN[Arg30Trp]PFTTVWNANT